The following is an entry in ClinVar:

ClinVar aggregate classification (germline): Uncertain significance (1 of 4 stars; one submission).

Submission:

GeneDx
Classification: Uncertain significance. Last evaluated: 2024-07-20. Review status: criteria provided, single submitter. Criteria: GeneDx Variant Classification Process June 2021. Collection method: clinical testing. Allele origin: germline. Affected: yes.
Comment: Not observed at significant frequency in large population cohorts (gnomAD); In silico analysis indicates that this missense variant does not alter protein structure/function; Has not been previously published as pathogenic or benign to our knowledge

NM_001042646.3(TRAK1):c.962A>G (p.Gln321Arg)

Gene: TRAK1 (trafficking kinesin protein 1; plus strand). Cytogenetic location: 3p22.1.
Variant type: single nucleotide variant.
Coding change: c.962A>G on transcript NM_001042646.3 (MANE Select); coding-DNA position 962, A replaced by G.
Protein change: p.Gln321Arg; replaces glutamine 321 with arginine.
Molecular consequence: missense variant. On other transcripts: non-coding transcript variant (1).
Genome position (GRCh38, 1-based): chr3:42,193,885, A>G. VCF-style: chr3-42193885-A-G. GRCh37 (hg19) VCF-style: chr3-42235377-A-G.
Other names: c.962A>G, p.Gln321Arg (NM_001265608.2, NM_001349246.2, NM_001349247.2); c.740A>G, p.Gln247Arg (NM_001265609.2, NM_001265610.1, NM_001349248.1 and 1 more transcripts); c.650A>G, p.Gln217Arg (NM_001349245.1); c.788A>G, p.Gln263Arg (NM_001410741.1, NM_014965.5); short protein forms Q217R, Q247R, Q263R, Q321R.
Identifiers: ClinVar variation 3600764 (VCV003600764.1).